The following is an entry in ClinVar:

ClinVar aggregate classification (germline): Uncertain significance (1 of 4 stars; one submission).

Submission:

Labcorp Genetics (formerly Invitae), Labcorp
Classification: Uncertain significance. Last evaluated: 2021-08-26. Review status: criteria provided, single submitter. Criteria: Invitae Variant Classification Sherloc (09022015). Collection method: clinical testing. Allele origin: germline.
Comment: This sequence change replaces alanine with serine at codon 343 of the EFL1 protein (p.Ala343Ser). The alanine residue is moderately conserved and there is a moderate physicochemical difference between alanine and serine. This variant is not present in population databases (ExAC no frequency). This variant has not been reported in the literature in individuals affected with EFL1-related conditions. Algorithms developed to predict the effect of missense changes on protein structure and function are either unavailable or do not agree on the potential impact of this missense change (SIFT: "Tolerated"; PolyPhen-2: "Possibly Damaging"; Align-GVGD: "Class C0"). In summary, the available evidence is currently insufficient to determine the role of this variant in disease. Therefore, it has been classified as a Variant of Uncertain Significance.

NM_024580.6(EFL1):c.1027G>T (p.Ala343Ser)

Gene: EFL1 (elongation factor like GTPase 1; minus strand). Cytogenetic location: 15q25.2.
Variant type: single nucleotide variant.
Coding change: c.1027G>T on transcript NM_024580.6 (MANE Select); coding-DNA position 1027, G replaced by T.
Protein change: p.Ala343Ser; replaces alanine 343 with serine.
Molecular consequence: missense variant. On other transcripts: non-coding transcript variant (1).
Genome position (GRCh38, 1-based): chr15:82,228,233, C>A on the plus strand (G>T on the coding strand, the complement: EFL1 is on the minus strand). VCF-style: chr15-82228233-C-A. GRCh37 (hg19) VCF-style: chr15-82520574-C-A.
Other names: c.874G>T, p.Ala292Ser (NM_001040610.3); c.238G>T, p.Ala80Ser (NM_001322844.2); c.1027G>T, p.Ala343Ser (NM_001322845.2); short protein forms A292S, A80S, A343S.
Identifiers: ClinVar variation 1388427 (VCV001388427.5), dbSNP rs749597702, ClinGen allele CA393277462.
Genomic context (GRCh38, chr15:82,228,233, plus strand): 5'-CATTAGAATAAAGGATACCAAGAACAGCATGGGATATGGGTAGCCACTGACTGCAAATGG[C>A]GTTGATCTGAACTTTAGGGTCTGAATGTCGTGCCTCCCGGGCTCCAATTTTTAATCCTAA-3'
Protein context (NP_078856.4, residues 333-353): RHSDPKVQIN[Ala343Ser]ICSQWLPISH